The following is an entry in ClinVar:

NM_001853.4(COL9A3):c.1652G>A (p.Gly551Glu)

Gene: COL9A3 (collagen type IX alpha 3 chain; plus strand). Cytogenetic location: 20q13.33.
Variant type: single nucleotide variant.
Coding change: c.1652G>A on transcript NM_001853.4 (MANE Select); coding-DNA position 1652, G replaced by A.
Protein change: p.Gly551Glu; replaces glycine 551 with glutamic acid.
Molecular consequence: missense variant.
Genome position (GRCh38, 1-based): chr20:62,837,131, G>A. VCF-style: chr20-62837131-G-A. GRCh37 (hg19) VCF-style: chr20-61468483-G-A.
Other names: short protein forms G551E.
Identifiers: ClinVar variation 3371417 (VCV003371417.3).

ClinVar aggregate classification (germline): Uncertain significance. Review status: criteria provided, multiple submitters, no conflicts (2 of 4 stars). 3 submissions from 3 submitters: Uncertain significance (3). Last evaluated 2026-04-21.

Conditions:
Inborn genetic diseases. Identifiers: MedGen C0950123, MeSH D030342.

gnomAD v4.1: 1 of 1,613,442 alleles (0.000062%); highest among the groups gnomAD compares: South Asian, 0.0011%; no homozygotes.

Submissions (3):

Ambry Genetics
Classification: Uncertain significance for Inborn genetic diseases. Last evaluated: 2026-04-21. Review status: criteria provided, single submitter. Criteria: Ambry Variant Classification Scheme 2023. Collection method: clinical testing. Allele origin: germline.

Labcorp Genetics (formerly Invitae), Labcorp
Classification: Uncertain significance. Last evaluated: 2025-03-11. Review status: criteria provided, single submitter. Criteria: Invitae Variant Classification Sherloc (09022015). Collection method: clinical testing. Allele origin: germline.
Comment: This sequence change replaces glycine, which is neutral and non-polar, with glutamic acid, which is acidic and polar, at codon 551 of the COL9A3 protein (p.Gly551Glu). This variant is present in population databases (rs773360074, gnomAD 0.003%). This variant has not been reported in the literature in individuals affected with COL9A3-related conditions. ClinVar contains an entry for this variant (Variation ID: 3371417). Invitae Evidence Modeling of protein sequence and biophysical properties (such as structural, functional, and spatial information, amino acid conservation, physicochemical variation, residue mobility, and thermodynamic stability) indicates that this missense variant is expected to disrupt COL9A3 protein function with a positive predictive value of 95%. In summary, the available evidence is currently insufficient to determine the role of this variant in disease. Therefore, it has been classified as a Variant of Uncertain Significance.

GeneDx
Classification: Uncertain significance. Last evaluated: 2024-03-24. Review status: criteria provided, single submitter. Criteria: GeneDx Variant Classification Process June 2021. Collection method: clinical testing. Allele origin: germline. Affected: yes.
Comment: Not observed at significant frequency in large population cohorts (gnomAD); In silico analysis supports that this missense variant has a deleterious effect on protein structure/function; Has not been previously published as pathogenic or benign to our knowledge